The following is an entry in ClinVar:

ClinVar aggregate classification (germline): Uncertain significance (1 of 4 stars; one submission).

Submission:

Labcorp Genetics (formerly Invitae), Labcorp
Classification: Uncertain significance. Last evaluated: 2025-11-28. Review status: criteria provided, single submitter. Criteria: Invitae Variant Classification Sherloc (09022015). Collection method: clinical testing. Allele origin: germline.
Comment: This sequence change replaces serine, which is neutral and polar, with proline, which is neutral and non-polar, at codon 563 of the KRT10 protein (p.Ser563Pro). Information on the frequency of this variant in the gnomAD database is not available, as this variant may be reported differently in the database. This variant has not been reported in the literature in individuals affected with KRT10-related conditions. ClinVar contains an entry for this variant (Variation ID: 2984059). Experimental studies and prediction algorithms are not available or were not evaluated, and the functional significance of this variant is currently unknown. In summary, the available evidence is currently insufficient to determine the role of this variant in disease. Therefore, it has been classified as a Variant of Uncertain Significance.

NM_000421.5(KRT10):c.1687_1688delinsCC (p.Ser563Pro)

Gene: KRT10 (keratin 10; minus strand). Cytogenetic location: 17q21.2.
Variant type: Indel.
Coding change: c.1687_1688delinsCC on transcript NM_000421.5 (MANE Select); coding-DNA positions 1687 to 1688, AG replaced by CC.
Protein change: p.Ser563Pro; replaces serine 563 with proline.
Molecular consequence: missense variant.
Genome position (GRCh38, 1-based): chr17:40,818,847-40,818,848, CT replaced by GG on the plus strand (AG replaced by CC on the coding strand, the reverse complement: KRT10 is on the minus strand). VCF-style: chr17-40818847-CT-GG. GRCh37 (hg19) VCF-style: chr17-38975099-CT-GG.
Other names: c.1687_1688delinsCC, p.Ser563Pro (NM_001379366.1); short protein forms S563P.
Identifiers: ClinVar variation 2984059 (VCV002984059.3), dbSNP rs2508768068, ClinGen allele CA2740095330.